The following is an entry in ClinVar:

ClinVar aggregate classification (germline): Pathogenic. Review status: reviewed by expert panel (3 of 4 stars). 11 submissions from 10 submitters: Pathogenic (1). 10 of the submissions do not count toward it. Last evaluated 2017-03-17.

Conditions:
CFTR-related disorder (CFTR-RD). Also called: CFTR-related disorders; CFTR-related condition. Identifiers: MedGen C5924204, MONDO:7770004.
Cystic fibrosis (CF). Also called: MUCOVISCIDOSIS. Identifiers: Orphanet 586, MedGen C0010674, MONDO:0009061, OMIM 219700. Disease mechanism: loss of function.
Congenital bilateral aplasia of vas deferens from CFTR mutation (CBAVD). Identifiers: Orphanet 48, MedGen C0403814, MONDO:0010178, OMIM 277180. Disease mechanism: loss of function.
Bronchiectasis with or without elevated sweat chloride 1 (BESC1). Also called: Cystic Fibrosis-Like Syndrome. Identifiers: Orphanet 60033, MedGen C2749757, MONDO:0008887, OMIM 211400.

Allele frequency attached by ClinVar (database versions not stated): 1000 Genomes Project 30x 0.00016; gnomAD exomes below 0.00001; TOPMed 0.00001; ESP Exome Variant Server 0.00008; 1000 Genomes Project 0.00020.
gnomAD v4.1: 3 of 1,613,334 alleles (0.00019%); highest among the groups gnomAD compares: Non-Finnish European, 0.00025%; no homozygotes.

Submissions (11):

CFTR2
Classification: Pathogenic for Cystic fibrosis. Last evaluated: 2017-03-17. Review status: reviewed by expert panel. Criteria: Sosnay PR et al. (Nat Genet 2013). Collection method: research. Allele origin: germline. Affected: yes. Study: CFTR2.

Natera, Inc.
Classification: Pathogenic for CFTR-related disorders. Last evaluated: 2025-10-28. Review status: criteria provided, single submitter. Criteria: Natera Variant Classification Schema (03/2026). Collection method: clinical testing. Allele origin: germline. Not counted in ClinVar's aggregate classification.
Comment: The c.3181G>C variant in CFTR is a missense variant predicted to cause substitution of glycine to arginine at amino acid 1061. This variant is rare in the general population with a frequency below the threshold expected for the associated phenotype(s). This variant has been observed in one or more individuals affected with the associated recessive disease, as either homozygous or compound heterozygous with a second variant (PMID: 15463882, 11796434, 33495079). Another variant at this same site results in an alteration predicted to cause a similar molecular effect has been observed in individual(s) with the associated phenotype. Given the available evidence, this variant is classified as Pathogenic.

Baylor Genetics
Classification: Pathogenic for Bronchiectasis with or without elevated sweat chloride 1. Last evaluated: 2024-01-30. Review status: criteria provided, single submitter. Criteria: ACMG Guidelines, 2015. Collection method: clinical testing. Allele origin: unknown. Not counted in ClinVar's aggregate classification.

Ambry Genetics
Classification: Pathogenic for Cystic fibrosis. Last evaluated: 2023-01-27. Review status: criteria provided, single submitter. Criteria: Ambry Variant Classification Scheme 2023. Collection method: clinical testing. Allele origin: germline. Not counted in ClinVar's aggregate classification.
Comment: The p.G1061R pathogenic mutation (also known as c.3181G>C and c.3313G>C), located in coding exon 20 of the CFTR gene, results from a G to C substitution at nucleotide position 3181. The glycine at codon 1061 is replaced by arginine, an amino acid with dissimilar properties. This variant has been confirmed in trans and identified likely in trans with a CFTR pathogenic variant in multiple individuals with clinical features of cystic fibrosis and CFTR-related disorders including, but not limited to: elevated sweat chloride levels, pulmonary disease, and pancreatic insufficiency (Bienvenu T et al. Hum Mutat, 1996;7:376-7; Mercier B et al. Genomics, 1993 Apr;16:296-7; Ravnik-Glavac M et al. Hum Mutat, 2002 Apr;19:374-83; Sala MA et al. J Cyst Fibros, 2021 Mar;20:356-363; Ambry internal data). In one functional study, this mutation was observed to result in protein misprocessing and failure of protein maturation (Seibert FS et al. J Biol Chem. 1996;271(25):15139-45). This variant is considered to be rare based on population cohorts in the Genome Aggregation Database (gnomAD). This amino acid position is highly conserved in available vertebrate species. In addition, this alteration is predicted to be deleterious by in silico analysis. Based on the supporting evidence, this alteration is interpreted as a disease-causing mutation.

Labcorp Genetics (formerly Invitae), Labcorp
Classification: Pathogenic for Cystic fibrosis. Last evaluated: 2022-05-13. Review status: criteria provided, single submitter. Criteria: Invitae Variant Classification Sherloc (09022015). Collection method: clinical testing. Allele origin: germline. Not counted in ClinVar's aggregate classification.
Comment: Experimental studies have shown that this missense change affects CFTR function (PMID: 8662892). For these reasons, this variant has been classified as Pathogenic. Algorithms developed to predict the effect of missense changes on protein structure and function (SIFT, PolyPhen-2, Align-GVGD) all suggest that this variant is likely to be disruptive. ClinVar contains an entry for this variant (Variation ID: 53672). This missense change has been observed in individuals with cystic fibrosis (PMID: 7683628, 8723695, 9084934; The Clinical and Functional TRanslation of CFTR (CFTR2) at CFTR2). This variant is not present in population databases (gnomAD no frequency). This sequence change replaces glycine, which is neutral and non-polar, with arginine, which is basic and polar, at codon 1061 of the CFTR protein (p.Gly1061Arg).

Johns Hopkins Genomics, Johns Hopkins University
Classification: Pathogenic for Cystic fibrosis. Last evaluated: 2021-02-15. Review status: criteria provided, single submitter. Criteria: ACMG Guidelines, 2015. Collection method: clinical testing. Allele origin: germline. Not counted in ClinVar's aggregate classification.

Women's Health and Genetics/Laboratory Corporation of America, LabCorp
Classification: Pathogenic for Cystic fibrosis. Last evaluated: 2019-11-22. Review status: criteria provided, single submitter. Criteria: LabCorp Variant Classification Summary - May 2015. Collection method: clinical testing. Allele origin: germline. Not counted in ClinVar's aggregate classification.
Comment: Variant summary: CFTR c.3181G>C (p.Gly1061Arg) results in a non-conservative amino acid change located in the ABC transporter type 1, transmembrane domain (IPR011527) of the encoded protein sequence. Five of five in-silico tools predict a damaging effect of the variant on protein function. The variant allele was found at a frequency of 4e-06 in 250828 control chromosomes (gnomAD). c.3181G>C has been reported in the literature in individuals affected with Cystic Fibrosis (e.g. Alper_2004, Bienvenu_1995, Chertkoff_1997, Mercier_1993). These data indicate that the variant is likely to be associated with disease. Experimental evidence evaluating an impact on protein function demonstrated the variant to cause misprocessing and failure of maturation of CFTR resulting in its retention in the endoplasmic reticulum (Seibert_1996). Three ClinVar submitters including an expert panel (CFTR2) (evaluation after 2014) cite the variant as pathogenic/likely pathogenic. Based on the evidence outlined above, the variant was classified as pathogenic.

ARUP Laboratories, Molecular Genetics and Genomics, ARUP Laboratories
Classification: Pathogenic. Last evaluated: 2019-02-02. Review status: criteria provided, single submitter. Criteria: ARUP Molecular Germline Variant Investigation Process. Collection method: clinical testing. Allele origin: germline. Not counted in ClinVar's aggregate classification.
Comment: The CFTR c.3181G>C, p.Gly1061Arg variant has been reported in cystic fibrosis patients (Alper 2004, Mercier 1993, Visich 2002, SickKids CFTR database, CFTR2 database), with variable presentation of pancreatic insufficiency (CFTR2 database). Functional characterization of the variant protein indicates that chloride conductance is severely impaired (CFTR2 database). The variant is listed in the ClinVar database (Variation ID: 53672), in the dbSNP variant database (rs142394380), and observed in the general population databases at a frequency of 0.02 percent in the 1000 Genomes Project, and 0.0077 percent in the Exome Variant Server. The glycine at residue 1061 is highly conserved, and computational algorithms (Align GV/GD, Mutation Taster, PolyPhen-2, SIFT) predict that the variant has an impact on the protein. Based on the above information, the variant is classified as moderately pathogenic. References: CFTR2 database: Link to p.Gly1061Arg in SickKids database: Alper OM et al. Identification of novel and rare mutations in California Hispanic and African American cystic fibrosis patients. Hum Mutat. 2004 Oct;24(4):353. Mercier B et al. Identification of eight novel mutations in a collaborative analysis of a part of the second transmembrane domain of the CFTR gene. Genomics. 1993 16(1):296-7. Visich A et al. Complete screening of the CFTR gene in Argentine cystic fibrosis patients. Clin Genet. 2002 Mar;61(3):207-13.

Eurofins Ntd Llc (ga)
Classification: Likely pathogenic. Last evaluated: 2018-03-02. Review status: criteria provided, single submitter. Criteria: EGL ClinVar v180209 classification definitions. Collection method: clinical testing. Allele origin: germline. Observed: 2 variant alleles, 2 heterozygotes. Not counted in ClinVar's aggregate classification.

CFTR-France
Classification: Pathogenic for cystic fibrosis. Last evaluated: 2018-01-29. Review status: criteria provided, single submitter. Criteria: Claustres M et al. (Hum Mutat 2017). Collection method: curation. Allele origin: germline. Affected: yes. Not counted in ClinVar's aggregate classification.

Baylor Genetics
Classification: Pathogenic for Congenital bilateral aplasia of vas deferens from CFTR mutation; Cystic fibrosis. Review status: criteria provided, single submitter. Criteria: ACMG Guidelines, 2015. Collection method: clinical testing. Allele origin: germline. Not counted in ClinVar's aggregate classification.

Literature cited by the submitters: PubMed 15463882 (cited by Natera, Inc.); PubMed 11796434 (cited by Natera, Inc.); PubMed 33495079 (cited by Natera, Inc. and Ambry Genetics); PubMed 11933191 (cited by Ambry Genetics and Women's Health and Genetics/Laboratory Corporation of America, LabCorp); PubMed 7683628 (cited by 3 submitters); PubMed 8662892 (cited by 3 submitters); PubMed 8723695 (cited by Ambry Genetics and Labcorp Genetics (formerly Invitae), Labcorp); PubMed 9084934 (cited by Labcorp Genetics (formerly Invitae), Labcorp and Women's Health and Genetics/Laboratory Corporation of America, LabCorp); PubMed 2 (cited by Labcorp Genetics (formerly Invitae), Labcorp); PubMed 7521710 (cited by Women's Health and Genetics/Laboratory Corporation of America, LabCorp); PubMed 15365999 (cited by Women's Health and Genetics/Laboratory Corporation of America, LabCorp); PubMed 12000363 (cited by Women's Health and Genetics/Laboratory Corporation of America, LabCorp); PubMed 15300780 (cited by Women's Health and Genetics/Laboratory Corporation of America, LabCorp); PubMed 16417523 (cited by Women's Health and Genetics/Laboratory Corporation of America, LabCorp); PubMed 17560176 (cited by Women's Health and Genetics/Laboratory Corporation of America, LabCorp); PubMed 7550227 (cited by Women's Health and Genetics/Laboratory Corporation of America, LabCorp).

NM_000492.4(CFTR):c.3181G>C (p.Gly1061Arg)

Genes: CFTR (CF transmembrane conductance regulator; plus strand), CFTR-AS2 (CFTR antisense RNA 2; minus strand), LOC111674472 (DNase I hypersensitive sites in introns 16 and 17a of CFTR; plus strand). Cytogenetic location: 7q31.2.
Variant type: single nucleotide variant.
Coding change: c.3181G>C on transcript NM_000492.4 (MANE Select); coding-DNA position 3181, G replaced by C.
Protein change: p.Gly1061Arg; replaces glycine 1061 with arginine.
Molecular consequence: missense variant.
Genome position (GRCh38, 1-based): chr7:117,611,622, G>C. VCF-style: chr7-117611622-G-C. GRCh37 (hg19) VCF-style: chr7-117251676-G-C.
Other names: G1061R.
Identifiers: ClinVar variation 53672 (VCV000053672.28), dbSNP rs142394380, ClinGen allele CA221023.